The following is an entry in ClinVar:

ClinVar aggregate classification (germline): Uncertain significance (1 of 4 stars; one submission).

Conditions:
Familial thoracic aortic aneurysm and aortic dissection (TAAD). Also called: Thoracic aortic aneurysms and dissections. Identifiers: Orphanet 91387, MedGen C4707243, MONDO:0019625.

gnomAD v4.1: 3 of 1,609,712 alleles (0.00019%); highest among the groups gnomAD compares: Non-Finnish European, 0.00025%; no homozygotes.

Submission:

Ambry Genetics
Classification: Uncertain significance for Familial thoracic aortic aneurysm and aortic dissection. Last evaluated: 2024-02-16. Review status: criteria provided, single submitter. Criteria: Ambry Variant Classification Scheme 2023. Collection method: clinical testing. Allele origin: germline.
Comment: The p.G2535V variant (also known as c.7604G>T), located in coding exon 34 of the NOTCH1 gene, results from a G to T substitution at nucleotide position 7604. The glycine at codon 2535 is replaced by valine, an amino acid with dissimilar properties. This amino acid position is conserved. In addition, the in silico prediction for this alteration is inconclusive. Based on the available evidence, the clinical significance of this alteration remains unclear.

NM_017617.5(NOTCH1):c.7604G>T (p.Gly2535Val)

Gene: NOTCH1 (notch receptor 1; minus strand). Cytogenetic location: 9q34.3.
Variant type: single nucleotide variant.
Coding change: c.7604G>T on transcript NM_017617.5 (MANE Select); coding-DNA position 7604, G replaced by T.
Protein change: p.Gly2535Val; replaces glycine 2535 with valine.
Molecular consequence: missense variant.
Genome position (GRCh38, 1-based): chr9:136,496,135, C>A on the plus strand (G>T on the coding strand, the complement: NOTCH1 is on the minus strand). VCF-style: chr9-136496135-C-A. GRCh37 (hg19) VCF-style: chr9-139390587-C-A.
Other names: short protein forms G2535V.
Identifiers: ClinVar variation 3226994 (VCV003226994.1), dbSNP rs2133313933, ClinGen allele CA375625836.